The following is an entry in ClinVar:

ClinVar aggregate classification (germline): Benign (0 of 4 stars; one submission).

Conditions:
PVR-related disorder. Also called: PVR-related condition.

Allele frequency attached by ClinVar (database versions not stated): gnomAD exomes 0.00533; ExAC 0.01641; gnomAD 0.04507; TOPMed 0.05014; ESP Exome Variant Server 0.05105; 1000 Genomes Project 0.05132; 1000 Genomes Project 30x 0.05403.

Submission:

PreventionGenetics, part of Exact Sciences
Classification: Benign for PVR-related condition. Last evaluated: 2019-04-01. Review status: no assertion criteria provided. Collection method: clinical testing. Allele origin: germline.
Comment: This variant is classified as benign based on ACMG/AMP sequence variant interpretation guidelines (Richards et al. 2015 PMID: 25741868, with internal and published modifications).

NM_006505.5(PVR):c.883G>A (p.Ala295Thr)

Gene: PVR (PVR cell adhesion molecule; plus strand). Cytogenetic location: 19q13.31.
Variant type: single nucleotide variant.
Coding change: c.883G>A on transcript NM_006505.5 (MANE Select); coding-DNA position 883, G replaced by A.
Protein change: p.Ala295Thr; replaces alanine 295 with threonine.
Molecular consequence: missense variant.
Genome position (GRCh38, 1-based): chr19:44,657,802, G>A. VCF-style: chr19-44657802-G-A. GRCh37 (hg19) VCF-style: chr19-45161070-G-A.
Other names: c.883G>A, p.Ala295Thr (NM_001135768.3, NM_001135769.3, NM_001135770.4); short protein forms A295T.
Identifiers: ClinVar variation 3038393 (VCV003038393.2), dbSNP rs35365841, ClinGen allele CA9502378.